The following is an entry in ClinVar:

ClinVar aggregate classification (germline): Uncertain significance (1 of 4 stars; one submission).

gnomAD v4.1: 1 of 1,614,048 alleles (0.000062%); highest among the groups gnomAD compares: South Asian, 0.0011%; no homozygotes.

Submission:

Labcorp Genetics (formerly Invitae), Labcorp
Classification: Uncertain significance. Last evaluated: 2023-12-07. Review status: criteria provided, single submitter. Criteria: Invitae Variant Classification Sherloc (09022015). Collection method: clinical testing. Allele origin: germline.
Comment: This sequence change replaces lysine, which is basic and polar, with arginine, which is basic and polar, at codon 2903 of the CPLANE1 protein (p.Lys2903Arg). This variant is not present in population databases (gnomAD no frequency). This variant has not been reported in the literature in individuals affected with CPLANE1-related conditions. ClinVar contains an entry for this variant (Variation ID: 1378186). Advanced modeling of protein sequence and biophysical properties (such as structural, functional, and spatial information, amino acid conservation, physicochemical variation, residue mobility, and thermodynamic stability) performed at Invitae indicates that this missense variant is not expected to disrupt CPLANE1 protein function with a negative predictive value of 95%. In summary, the available evidence is currently insufficient to determine the role of this variant in disease. Therefore, it has been classified as a Variant of Uncertain Significance.

NM_001384732.1(CPLANE1):c.8870A>G (p.Lys2957Arg)

Gene: CPLANE1 (ciliogenesis and planar polarity effector complex subunit 1; minus strand). Cytogenetic location: 5p13.2.
Variant type: single nucleotide variant.
Coding change: c.8870A>G on transcript NM_001384732.1 (MANE Select); coding-DNA position 8870, A replaced by G.
Protein change: p.Lys2957Arg; replaces lysine 2957 with arginine.
Molecular consequence: missense variant.
Genome position (GRCh38, 1-based): chr5:37,125,332, T>C on the plus strand (A>G on the coding strand, the complement: CPLANE1 is on the minus strand). VCF-style: chr5-37125332-T-C. GRCh37 (hg19) VCF-style: chr5-37125434-T-C.
Other names: c.8708A>G, p.Lys2903Arg (NM_023073.4); short protein forms K2903R, K2957R.
Identifiers: ClinVar variation 1378186 (VCV001378186.6), dbSNP rs2150139936, ClinGen allele CA359499177.